The following is an entry in ClinVar:

ClinVar aggregate classification (germline): Likely pathogenic. Review status: criteria provided, multiple submitters, no conflicts (2 of 4 stars). 2 submissions from 2 submitters: Likely pathogenic (2). Last evaluated 2025-11-05.

Conditions:
Cohen syndrome (COH1). Also called: Cutis verticis gyrata, retinitis pigmentosa, and sensorineural deafness; PEPPER SYNDROME. Identifiers: Orphanet 193, MedGen C0265223, MONDO:0008999, OMIM 216550.

Allele frequency attached by ClinVar (database versions not stated): gnomAD exomes below 0.00001; ExAC 0.00001.
gnomAD v4.1: 1 of 1,608,174 alleles (0.000062%); highest among the groups gnomAD compares: Non-Finnish European, 0.000085%; no homozygotes.

Submissions (2):

Natera, Inc.
Classification: Likely pathogenic for Cohen syndrome. Last evaluated: 2025-11-05. Review status: criteria provided, single submitter. Criteria: Natera Variant Classification Schema (03/2026). Collection method: clinical testing. Allele origin: germline.
Comment: The c.9817+1G>A variant in VPS13B is a canonical splice donor site variant predicted to affect pre-mRNA splicing, which may result in an abnormal transcript and altered protein product. This variant is expected to result in nonsense mediated decay, truncation, or a dysfunctional protein product. This variant is rare in the general population with a frequency below the threshold expected for the associated phenotype(s). Given the available evidence, this variant is classified as Likely Pathogenic.

Labcorp Genetics (formerly Invitae), Labcorp
Classification: Likely pathogenic for Cohen syndrome. Last evaluated: 2022-03-18. Review status: criteria provided, single submitter. Criteria: Invitae Variant Classification Sherloc (09022015). Collection method: clinical testing. Allele origin: germline.
Comment: This sequence change affects a donor splice site in intron 53 of the VPS13B gene. It is expected to disrupt RNA splicing. Variants that disrupt the donor or acceptor splice site typically lead to a loss of protein function (PMID: 16199547), and loss-of-function variants in VPS13B are known to be pathogenic (PMID: 15141358, 16648375, 20461111). This variant is present in population databases (rs759374475, gnomAD 0.0009%). This variant has not been reported in the literature in individuals affected with VPS13B-related conditions. Algorithms developed to predict the effect of sequence changes on RNA splicing suggest that this variant may disrupt the consensus splice site. In summary, the currently available evidence indicates that the variant is pathogenic, but additional data are needed to prove that conclusively. Therefore, this variant has been classified as Likely Pathogenic.

Literature cited by the submitters: PubMed 16199547 (cited by Labcorp Genetics (formerly Invitae), Labcorp); PubMed 15141358 (cited by Labcorp Genetics (formerly Invitae), Labcorp); PubMed 16648375 (cited by Labcorp Genetics (formerly Invitae), Labcorp); PubMed 20461111 (cited by Labcorp Genetics (formerly Invitae), Labcorp).

NM_152564.5(VPS13B):c.9742+1G>A

Gene: VPS13B (vacuolar protein sorting 13 homolog B; plus strand). Cytogenetic location: 8q22.2.
Variant type: single nucleotide variant.
Coding change: c.9742+1G>A on transcript NM_152564.5 (MANE Select); the canonical splice donor site of the intron after coding-DNA position 9742, G replaced by A.
Molecular consequence: splice donor variant.
Genome position (GRCh38, 1-based): chr8:99,835,325, G>A. VCF-style: chr8-99835325-G-A. GRCh37 (hg19) VCF-style: chr8-100847553-G-A.
Other names: c.9817+1G>A (NM_017890.4, NM_017890.5).
Identifiers: ClinVar variation 2113581 (VCV002113581.5), dbSNP rs759374475, ClinGen allele CA4824770.